The following is an entry in ClinVar:

NM_177438.3(DICER1):c.4105A>C (p.Met1369Leu)

Gene: DICER1 (dicer 1, ribonuclease III; minus strand). Cytogenetic location: 14q32.13.
Variant type: single nucleotide variant.
Coding change: c.4105A>C on transcript NM_177438.3 (MANE Select); coding-DNA position 4105, A replaced by C.
Protein change: p.Met1369Leu; replaces methionine 1369 with leucine.
Molecular consequence: missense variant.
Genome position (GRCh38, 1-based): chr14:95,099,881, T>G on the plus strand (A>C on the coding strand, the complement: DICER1 is on the minus strand). VCF-style: chr14-95099881-T-G. GRCh37 (hg19) VCF-style: chr14-95566218-T-G.
Other names: c.4105A>C, p.Met1369Leu (NM_001195573.1, NM_001271282.3, NM_001291628.2 and 1 more transcripts); short protein forms M1369L.
Identifiers: ClinVar variation 824598 (VCV000824598.7), dbSNP rs1595353531, ClinGen allele CA390872117.

ClinVar aggregate classification (germline): Uncertain significance. Review status: criteria provided, multiple submitters, no conflicts (2 of 4 stars). 2 submissions from 2 submitters: Uncertain significance (2). Last evaluated 2023-12-08.

Conditions:
DICER1-related tumor predisposition. Also called: DICER1-related pleuropulmonary blastoma cancer predisposition syndrome; DICER1 syndrome. Identifiers: Orphanet 284343, MedGen C3839822, MONDO:0100216.
Hereditary cancer-predisposing syndrome. Also called: Neoplastic Syndromes, Hereditary; Hereditary Cancer Syndrome; Hereditary neoplastic syndrome; Tumor predisposition. Identifiers: Orphanet 140162, MedGen C0027672, MeSH D009386, MONDO:0015356.

Submissions (2):

Labcorp Genetics (formerly Invitae), Labcorp
Classification: Uncertain significance for DICER1-related tumor predisposition. Last evaluated: 2023-12-08. Review status: criteria provided, single submitter. Criteria: Invitae Variant Classification Sherloc (09022015). Collection method: clinical testing. Allele origin: germline.
Comment: This sequence change replaces methionine, which is neutral and non-polar, with leucine, which is neutral and non-polar, at codon 1369 of the DICER1 protein (p.Met1369Leu). This variant is not present in population databases (gnomAD no frequency). This variant has not been reported in the literature in individuals affected with DICER1-related conditions. ClinVar contains an entry for this variant (Variation ID: 824598). Advanced modeling of protein sequence and biophysical properties (such as structural, functional, and spatial information, amino acid conservation, physicochemical variation, residue mobility, and thermodynamic stability) performed at Invitae indicates that this missense variant is not expected to disrupt DICER1 protein function with a negative predictive value of 80%. In summary, the available evidence is currently insufficient to determine the role of this variant in disease. Therefore, it has been classified as a Variant of Uncertain Significance.

Ambry Genetics
Classification: Uncertain significance for Hereditary cancer-predisposing syndrome. Last evaluated: 2018-11-27. Review status: criteria provided, single submitter. Criteria: Ambry Variant Classification Scheme 2023. Collection method: clinical testing. Allele origin: germline.
Comment: The p.M1369L variant (also known as c.4105A>C), located in coding exon 21 of the DICER1 gene, results from an A to C substitution at nucleotide position 4105. The methionine at codon 1369 is replaced by leucine, an amino acid with highly similar properties. This amino acid position is highly conserved in available vertebrate species. In addition, the in silico prediction for this alteration is inconclusive. Since supporting evidence is limited at this time, the clinical significance of this alteration remains unclear.